The following is an entry in ClinVar:

NM_003036.4(SKI):c.19G>A (p.Gly7Ser)

Gene: SKI (SKI proto-oncogene; plus strand). Cytogenetic location: 1p36.33.
Variant type: single nucleotide variant.
Coding change: c.19G>A on transcript NM_003036.4 (MANE Select); coding-DNA position 19, G replaced by A.
Protein change: p.Gly7Ser; replaces glycine 7 with serine.
Molecular consequence: missense variant.
Genome position (GRCh38, 1-based): chr1:2,228,785, G>A. VCF-style: chr1-2228785-G-A. GRCh37 (hg19) VCF-style: chr1-2160224-G-A.
Other names: short protein forms G7S.
Identifiers: ClinVar variation 1304292 (VCV001304292.2), dbSNP rs2100789403, ClinGen allele CA337951909.

ClinVar aggregate classification (germline): Uncertain significance (1 of 4 stars; one submission).

Submission:

GeneDx
Classification: Uncertain significance. Last evaluated: 2019-12-03. Review status: criteria provided, single submitter. Criteria: GeneDx Variant Classification Process June 2021. Collection method: clinical testing. Allele origin: germline. Affected: yes.
Comment: Has not been previously published as pathogenic or benign to our knowledge; Not observed in large population cohorts (Lek et al., 2016); In silico analysis, which includes protein predictors and evolutionary conservation, supports that this variant does not alter protein structure/function